The following is an entry in ClinVar:

ClinVar aggregate classification (germline): Conflicting classifications of pathogenicity. Review status: criteria provided, conflicting classifications (1 of 4 stars). 2 submissions from 2 submitters: Uncertain significance (1); Likely benign (1). Last evaluated 2026-04-22.

Conditions:
Osteogenesis imperfecta type I (OI1). Also called: Lobstein disease; Classic Non-deforming Osteogenesis Imperfecta with Blue Sclerae; OI, TYPE I; OSTEOGENESIS IMPERFECTA TARDA; OSTEOGENESIS IMPERFECTA WITH BLUE SCLERAE; Osteogenesis imperfecta type 1. Identifiers: Orphanet 216796, Orphanet 666, MedGen C0023931, MONDO:0008146, OMIM 166200. Disease mechanism: loss of function.
COL1A1-related disorder. Also called: COL1A1- related disease; COL1A1-related condition.

Allele frequency attached by ClinVar (database versions not stated): TOPMed below 0.00001; gnomAD 0.00001; ExAC 0.00007; gnomAD exomes 0.00001.
gnomAD v4.1: 12 of 1,603,404 alleles (0.00075%); highest among the groups gnomAD compares: Non-Finnish European, 0.001%; no homozygotes.

Submissions (2):

PreventionGenetics, part of Exact Sciences
Classification: Uncertain significance for COL1A1-related condition. Last evaluated: 2026-04-22. Review status: criteria provided, single submitter. Criteria: ACMG Guidelines, 2015. Collection method: clinical testing. Allele origin: germline.
Comment: The COL1A1 c.2072C>T variant is predicted to result in the amino acid substitution p.Pro691Leu. To our knowledge, this variant has not been reported in the literature. This variant is reported in 0.0029% of alleles in individuals of European (Non-Finnish) descent in gnomAD. At this time, the clinical significance of this variant is uncertain due to the absence of conclusive functional and genetic evidence.

Labcorp Genetics (formerly Invitae), Labcorp
Classification: Likely benign for Osteogenesis imperfecta type I. Last evaluated: 2025-07-27. Review status: criteria provided, single submitter. Criteria: Invitae Variant Classification Sherloc (09022015). Collection method: clinical testing. Allele origin: germline.

NM_000088.4(COL1A1):c.2072C>T (p.Pro691Leu)

Gene: COL1A1 (collagen type I alpha 1 chain; minus strand). Cytogenetic location: 17q21.33.
Variant type: single nucleotide variant.
Coding change: c.2072C>T on transcript NM_000088.4 (MANE Select); coding-DNA position 2072, C replaced by T.
Protein change: p.Pro691Leu; replaces proline 691 with leucine.
Molecular consequence: missense variant.
Genome position (GRCh38, 1-based): chr17:50,191,843, G>A on the plus strand (C>T on the coding strand, the complement: COL1A1 is on the minus strand). VCF-style: chr17-50191843-G-A. GRCh37 (hg19) VCF-style: chr17-48269204-G-A.
Other names: c.2072C>T (NM_000088.3); short protein forms P691L.
Identifiers: ClinVar variation 1464986 (VCV001464986.9), dbSNP rs775055638, ClinGen allele CA8644940.